The following is an entry in ClinVar:

NM_000836.4(GRIN2D):c.1034G>C (p.Gly345Ala)

Gene: GRIN2D (glutamate ionotropic receptor NMDA type subunit 2D; plus strand). Cytogenetic location: 19q13.33.
Variant type: single nucleotide variant.
Coding change: c.1034G>C on transcript NM_000836.4 (MANE Select); coding-DNA position 1034, G replaced by C.
Protein change: p.Gly345Ala; replaces glycine 345 with alanine.
Molecular consequence: missense variant.
Genome position (GRCh38, 1-based): chr19:48,405,302, G>C. VCF-style: chr19-48405302-G-C. GRCh37 (hg19) VCF-style: chr19-48908559-G-C.
Other names: short protein forms G345A.
Identifiers: ClinVar variation 2762126 (VCV002762126.3), dbSNP rs2513664862, ClinGen allele CA406693300.

ClinVar aggregate classification (germline): Uncertain significance (1 of 4 stars; one submission).

Allele frequency attached by ClinVar (database versions not stated): gnomAD exomes below 0.00001.
gnomAD v4.1: 3 of 1,601,788 alleles (0.00019%); highest among the groups gnomAD compares: Non-Finnish European, 0.00025%; no homozygotes.

Submission:

Labcorp Genetics (formerly Invitae), Labcorp
Classification: Uncertain significance. Last evaluated: 2023-09-20. Review status: criteria provided, single submitter. Criteria: Invitae Variant Classification Sherloc (09022015). Collection method: clinical testing. Allele origin: germline.
Comment: This sequence change replaces glycine, which is neutral and non-polar, with alanine, which is neutral and non-polar, at codon 345 of the GRIN2D protein (p.Gly345Ala). This variant is not present in population databases (gnomAD no frequency). In summary, the available evidence is currently insufficient to determine the role of this variant in disease. Therefore, it has been classified as a Variant of Uncertain Significance. Advanced modeling of protein sequence and biophysical properties (such as structural, functional, and spatial information, amino acid conservation, physicochemical variation, residue mobility, and thermodynamic stability) performed at Invitae indicates that this missense variant is not expected to disrupt GRIN2D protein function. This variant has not been reported in the literature in individuals affected with GRIN2D-related conditions.